The following is an entry in ClinVar:

ClinVar aggregate classification (germline): Likely benign. Review status: criteria provided, multiple submitters, no conflicts (2 of 4 stars). 3 submissions from 3 submitters: Likely benign (2). 1 of the submissions does not count toward it. Last evaluated 2025-07-08.

Conditions:
FH-related disorder. Also called: FH-related disorders; FH-related condition.
Hereditary leiomyomatosis and renal cell cancer. Also called: MULTIPLE CUTANEOUS AND UTERINE LEIOMYOMATA 1, WITH OR WITHOUT RENAL CELL CARCINOMA; Reed syndrome; Multiple cutaneous and uterine leiomyomatosis; Cutaneous leiomyomata with uterine leiomyomata; Leiomyoma, hereditary multiple, of skin; Multiple cutaneous and uterine leiomyomata. Identifiers: Orphanet 523, MedGen C1708350, MONDO:0007888, OMIM 150800, HP:0007437. Disease mechanism: loss of function.

Allele frequency attached by ClinVar (database versions not stated): gnomAD exomes below 0.00001; TOPMed below 0.00001.
gnomAD v4.1: 2 of 1,614,098 alleles (0.00012%); highest among the groups gnomAD compares: Middle Eastern, 0.016%; no homozygotes.

Submissions (3):

Labcorp Genetics (formerly Invitae), Labcorp
Classification: Likely benign. Last evaluated: 2025-07-08. Review status: criteria provided, single submitter. Criteria: Invitae Variant Classification Sherloc (09022015). Collection method: clinical testing. Allele origin: germline.

Myriad Genetics, Inc.
Classification: Likely benign for Hereditary leiomyomatosis and renal cell cancer. Last evaluated: 2024-10-17. Review status: criteria provided, single submitter. Criteria: Myriad Autosomal Dominant, Autosomal Recessive and X-Linked Classification Criteria (2023). Collection method: clinical testing. Allele origin: unknown.
Comment: This variant is considered likely benign. This variant is intronic and is not expected to impact mRNA splicing.

PreventionGenetics, part of Exact Sciences
Classification: Likely benign for FH-related condition. Last evaluated: 2024-05-31. Review status: no assertion criteria provided. Collection method: clinical testing. Allele origin: germline. Not counted in ClinVar's aggregate classification.
Comment: This variant is classified as likely benign based on ACMG/AMP sequence variant interpretation guidelines (Richards et al. 2015 PMID: 25741868, with internal and published modifications).

NM_000143.4(FH):c.267+7G>A

Gene: FH (fumarate hydratase; minus strand). Cytogenetic location: 1q43.
Variant type: single nucleotide variant.
Coding change: c.267+7G>A on transcript NM_000143.4 (MANE Select); 7 bases into the intron after coding-DNA position 267, G replaced by A.
Molecular consequence: intron variant.
Genome position (GRCh38, 1-based): chr1:241,517,175, C>T on the plus strand (G>A on the coding strand, the complement: FH is on the minus strand). VCF-style: chr1-241517175-C-T. GRCh37 (hg19) VCF-style: chr1-241680475-C-T.
Other names: c.267+7G>A (NM_000143.3).
Identifiers: ClinVar variation 1107373 (VCV001107373.11), dbSNP rs1660239794, ClinGen allele CA1229584080.